The following is an entry in ClinVar:

ClinVar aggregate classification (germline): Likely benign (1 of 4 stars; one submission).

Allele frequency attached by ClinVar (database versions not stated): ExAC 0.00018; gnomAD 0.00021; TOPMed 0.00022; gnomAD exomes 0.00032; ESP Exome Variant Server 0.00054.
gnomAD v4.1: 497 of 1,613,840 alleles (0.031%); highest among the groups gnomAD compares: Non-Finnish European, 0.039%; no homozygotes.

Submission:

CeGaT Center for Human Genetics Tuebingen
Classification: Likely benign. Last evaluated: 2023-05-01. Review status: criteria provided, single submitter. Criteria: CeGaT Center For Human Genetics Tuebingen Variant Classification Criteria Version 2. Collection method: clinical testing. Allele origin: germline. Affected: yes. Observed: 1 variant allele.
Comment: ARMC2: BP4, BP7

NM_032131.6(ARMC2):c.405A>G (p.Leu135=)

Gene: ARMC2 (armadillo repeat containing 2; plus strand). Cytogenetic location: 6q21.
Variant type: single nucleotide variant.
Coding change: c.405A>G on transcript NM_032131.6 (MANE Select); coding-DNA position 405, A replaced by G.
Protein change: p.Leu135=; no amino-acid change (leucine 135 retained).
Molecular consequence: synonymous variant. On other transcripts: 5 prime UTR variant (1).
Genome position (GRCh38, 1-based): chr6:108,868,937, A>G. VCF-style: chr6-108868937-A-G. GRCh37 (hg19) VCF-style: chr6-109190140-A-G.
Other names: c.-91A>G (NM_001286609.2).
Identifiers: ClinVar variation 2656823 (VCV002656823.24), dbSNP rs144751024, ClinGen allele CA3949622.
Genomic context (GRCh38, chr6:108,868,937, plus strand): 5'-TCCTAAGCCCCCAGTGGACCCTGCGAAGATTAGAAGAGTAAGCAACGCCAGGGCTCGCTT[A>G]TTCAGGGCTGCCTCCCAGCGGGCCCTTCTGCCGGACAGATCCCTTCCTCCCTCCGACTGT-3'
Protein context (NP_115507.4, residues 125-145): IRRVSNARAR[Leu135=]FRAASQRALL